The following is an entry in ClinVar:

NM_000030.3(AGXT):c.560C>T (p.Ser187Phe)

Gene: AGXT (alanine--glyoxylate aminotransferase; plus strand). Cytogenetic location: 2q37.3.
Variant type: single nucleotide variant.
Coding change: c.560C>T on transcript NM_000030.3 (MANE Select); coding-DNA position 560, C replaced by T.
Protein change: p.Ser187Phe; replaces serine 187 with phenylalanine.
Molecular consequence: missense variant.
Genome position (GRCh38, 1-based): chr2:240,873,014, C>T. VCF-style: chr2-240873014-C-T. GRCh37 (hg19) VCF-style: chr2-241812431-C-T.
Other names: short protein forms S187F.
Identifiers: ClinVar variation 140584 (VCV000140584.7), dbSNP rs180177238, ClinGen allele CA345702.
Genomic context (GRCh38, chr2:240,873,014, plus strand): 5'-TCCATTCTGTCCCCCACCTCTCCAGGTACAAGTGCCTGCTCCTGGTGGATTCGGTGGCAT[C>T]CCTGGGCGGGACCCCCCTTTACATGGACCGGCAAGGTAAGGGTGGGCTCTGAGAGCCCTA-3'
Protein context (NP_000021.1, residues 177-197): KCLLLVDSVA[Ser187Phe]LGGTPLYMDR

ClinVar aggregate classification (germline): Pathogenic. Review status: criteria provided, multiple submitters, no conflicts (2 of 4 stars). 6 submissions from 6 submitters: Pathogenic (3). 3 of the submissions do not count toward it. Last evaluated 2024-03-26.

Conditions:
Primary hyperoxaluria. Identifiers: Orphanet 416, MedGen C0020501, MONDO:0002474.
Primary hyperoxaluria, type I (HP1). Also called: OXALOSIS I; Primary hyperoxaluria type 1; GLYCOLIC ACIDURIA; HEPATIC AGT DEFICIENCY. Identifiers: Orphanet 416, Orphanet 93598, MedGen C0268164, MONDO:0009823, OMIM 259900. Disease mechanism: loss of function.

Allele frequency attached by ClinVar (database versions not stated): TOPMed 0.00001; gnomAD 0.00002; gnomAD exomes below 0.00001; ExAC 0.00001.

Submissions (6):

Fulgent Genetics
Classification: Pathogenic for Primary hyperoxaluria, type I. Last evaluated: 2024-03-26. Review status: criteria provided, single submitter. Criteria: ACMG Guidelines, 2015. Collection method: clinical testing. Allele origin: germline.

Baylor Genetics
Classification: Pathogenic for Primary hyperoxaluria, type I. Last evaluated: 2024-02-05. Review status: criteria provided, single submitter. Criteria: ACMG Guidelines, 2015. Collection method: clinical testing. Allele origin: unknown.

Women's Health and Genetics/Laboratory Corporation of America, LabCorp
Classification: Pathogenic for Primary hyperoxaluria. Last evaluated: 2023-06-20. Review status: criteria provided, single submitter. Criteria: LabCorp Variant Classification Summary - May 2015. Collection method: clinical testing. Allele origin: germline.
Comment: Variant summary: AGXT c.560C>T (p.Ser187Phe) results in a non-conservative amino acid change located in the Aminotransferase class V domain (IPR000192) of the encoded protein sequence. Five of five in-silico tools predict a damaging effect of the variant on protein function. The variant allele was found at a frequency of 4e-06 in 249728 control chromosomes. The available data on variant occurrences in the general population are insufficient to allow any conclusion about variant significance. c.560C>T has been reported in the literature in both compound heterozygous and homozygous individuals affected with Primary Hyperoxaluria Type 1 (e.g., Minatogawa_1992, Hoppe_1997, Hoyer-Kuhn_2014, Williams_2015), and the variant has been shown to segregate with disease in related individuals. These data indicate that the variant is likely to be associated with disease. Several publications report experimental evidence evaluating an impact on protein function, finding that the variant disrupts the enzyme active site and results in <10% of normal enzymatic activity (e.g., Oppici_2013, Coulter-Mackie_2006, Minatogawa_1992). The following publications have been ascertained in the context of this evaluation (PMID: 16971151, 9002528, 24385516, 1301173, 23589421, 25629080). One submitter has reported clinical-significance assessments for this variant to ClinVar after 2014 and has classified the variant as likely pathogenic. Based on the evidence outlined above, the variant was classified as pathogenic.

Counsyl
Classification: Likely pathogenic for Primary hyperoxaluria, type I. Last evaluated: 2018-02-08. Review status: no assertion criteria provided. Collection method: clinical testing. Allele origin: unknown. Not counted in ClinVar's aggregate classification.

Clinical Biochemistry Laboratory, Health Services Laboratory
Classification: Pathogenic for Primary hyperoxaluria, type I. Last evaluated: 2014-11-27. Review status: no assertion criteria provided. Collection method: in vitro. Allele origin: germline. Affected: yes. Not counted in ClinVar's aggregate classification.

GeneReviews
No classification provided. Condition: Primary hyperoxaluria, type I. Review status: no classification provided. Collection method: literature only. Allele origin: germline. Affected: yes. Not counted in ClinVar's aggregate classification.

Literature cited by the submitters: PubMed 25629080 (cited by Women's Health and Genetics/Laboratory Corporation of America, LabCorp and Counsyl); PubMed 24385516 (cited by Women's Health and Genetics/Laboratory Corporation of America, LabCorp and Counsyl); PubMed 16971151 (cited by 3 submitters); PubMed 9002528 (cited by Women's Health and Genetics/Laboratory Corporation of America, LabCorp and Counsyl); PubMed 1301173 (cited by 3 submitters); PubMed 23589421 (cited by Women's Health and Genetics/Laboratory Corporation of America, LabCorp and Counsyl); PubMed 18448374 (cited by Counsyl); PubMed 22018727 (cited by Counsyl); NCBI Bookshelf NBK1283 (cited by GeneReviews).